The following is an entry in ClinVar:

ClinVar aggregate classification (germline): Uncertain significance (1 of 4 stars; one submission).

Conditions:
Baller-Gerold syndrome (BGS). Also called: CRANIOSYNOSTOSIS WITH RADIAL DEFECTS. Identifiers: Orphanet 1225, MedGen C0265308, MONDO:0009039, OMIM 218600.

Allele frequency attached by ClinVar (database versions not stated): gnomAD exomes below 0.00001; TOPMed below 0.00001; gnomAD 0.00001.
gnomAD v4.1: 4 of 1,612,644 alleles (0.00025%); highest among the groups gnomAD compares: East Asian, 0.0022%; no homozygotes.

Submission:

Labcorp Genetics (formerly Invitae), Labcorp
Classification: Uncertain significance for Baller-Gerold syndrome. Last evaluated: 2023-07-10. Review status: criteria provided, single submitter. Criteria: Invitae Variant Classification Sherloc (09022015). Collection method: clinical testing. Allele origin: germline.
Comment: In summary, the available evidence is currently insufficient to determine the role of this variant in disease. Therefore, it has been classified as a Variant of Uncertain Significance. Advanced modeling of protein sequence and biophysical properties (such as structural, functional, and spatial information, amino acid conservation, physicochemical variation, residue mobility, and thermodynamic stability) performed at Invitae indicates that this missense variant is not expected to disrupt RECQL4 protein function. ClinVar contains an entry for this variant (Variation ID: 2160958). This variant has not been reported in the literature in individuals affected with RECQL4-related conditions. This variant is not present in population databases (gnomAD no frequency). This sequence change replaces glycine, which is neutral and non-polar, with serine, which is neutral and polar, at codon 351 of the RECQL4 protein (p.Gly351Ser).

NM_004260.4(RECQL4):c.1051G>A (p.Gly351Ser)

Gene: RECQL4 (RecQ like helicase 4; minus strand). Cytogenetic location: 8q24.3.
Variant type: single nucleotide variant.
Coding change: c.1051G>A on transcript NM_004260.4 (MANE Select); coding-DNA position 1051, G replaced by A.
Protein change: p.Gly351Ser; replaces glycine 351 with serine.
Molecular consequence: missense variant.
Genome position (GRCh38, 1-based): chr8:144,516,068, C>T on the plus strand (G>A on the coding strand, the complement: RECQL4 is on the minus strand). VCF-style: chr8-144516068-C-T. GRCh37 (hg19) VCF-style: chr8-145741452-C-T.
Other names: c.955G>A, p.Gly319Ser (NM_001413017.1, NM_001413020.1); c.1051G>A, p.Gly351Ser (NM_001413018.1, NM_001413019.1, NM_001413033.1 and 2 more transcripts); c.-21G>A (NM_001413021.1, NM_001413022.1, NM_001413023.1 and 8 more transcripts); c.922G>A, p.Gly308Ser (NM_001413025.1); c.-83G>A (NM_001413027.1, NM_001413030.1, NM_001413031.1 and 2 more transcripts); c.700G>A, p.Gly234Ser (NM_001413029.1); c.-290G>A (NM_001413043.1); short protein forms G308S, G319S, G351S, G234S.
Identifiers: ClinVar variation 2160958 (VCV002160958.4), dbSNP rs1429303169, ClinGen allele CA372688219.